The following is an entry in ClinVar:

ClinVar aggregate classification (germline): Uncertain significance (1 of 4 stars; one submission).

Conditions:
Inborn genetic diseases. Identifiers: MedGen C0950123, MeSH D030342.

Submission:

Ambry Genetics
Classification: Uncertain significance for Inborn genetic diseases. Last evaluated: 2017-11-17. Review status: criteria provided, single submitter. Criteria: Ambry Variant Classification Scheme 2023. Collection method: clinical testing. Allele origin: germline.
Comment: The p.G2562R variant (also known as c.7684G>C), located in coding exon 22 of the NSD1 gene, results from a G to C substitution at nucleotide position 7684. The glycine at codon 2562 is replaced by arginine, an amino acid with dissimilar properties. This amino acid position is not well conserved in available vertebrate species. In addition, this alteration is predicted to be tolerated by in silico analysis. Since supporting evidence is limited at this time, the clinical significance of this alteration remains unclear.

NM_022455.5(NSD1):c.7684G>C (p.Gly2562Arg)

Gene: NSD1 (nuclear receptor binding SET domain protein 1; plus strand). Cytogenetic location: 5q35.3.
Variant type: single nucleotide variant.
Coding change: c.7684G>C on transcript NM_022455.5 (MANE Select); coding-DNA position 7684, G replaced by C.
Protein change: p.Gly2562Arg; replaces glycine 2562 with arginine.
Molecular consequence: missense variant.
Genome position (GRCh38, 1-based): chr5:177,295,052, G>C. VCF-style: chr5-177295052-G-C. GRCh37 (hg19) VCF-style: chr5-176722053-G-C.
Other names: c.6811G>C, p.Gly2271Arg (NM_001365684.2, NM_001409308.1, NM_172349.5); c.7684G>C, p.Gly2562Arg (NM_001409301.1, NM_001409302.1, NM_001409303.1); c.7264G>C, p.Gly2422Arg (NM_001409304.1); c.6931G>C, p.Gly2311Arg (NM_001409305.1); c.6922G>C, p.Gly2308Arg (NM_001409306.1, NM_001409307.1); c.6562G>C, p.Gly2188Arg (NM_001409309.1); short protein forms G2308R, G2422R, G2188R, G2562R, G2271R, G2293R, G2311R.
Identifiers: ClinVar variation 1760124 (VCV001760124.2), dbSNP rs778167470, ClinGen allele CA362334070.